The following is an entry in ClinVar:

NM_017570.5(OPLAH):c.2975A>C (p.Asp992Ala)

Gene: OPLAH (5-oxoprolinase, ATP-hydrolysing; minus strand). Cytogenetic location: 8q24.3.
Variant type: single nucleotide variant.
Coding change: c.2975A>C on transcript NM_017570.5 (MANE Select); coding-DNA position 2975, A replaced by C.
Protein change: p.Asp992Ala; replaces aspartic acid 992 with alanine.
Molecular consequence: missense variant.
Genome position (GRCh38, 1-based): chr8:144,053,026, T>G on the plus strand (A>C on the coding strand, the complement: OPLAH is on the minus strand). VCF-style: chr8-144053026-T-G. GRCh37 (hg19) VCF-style: chr8-145107929-T-G.
Other names: short protein forms D992A.
Identifiers: ClinVar variation 2157798 (VCV002157798.4), dbSNP rs1835426158, ClinGen allele CA372537037.

ClinVar aggregate classification (germline): Uncertain significance (1 of 4 stars; one submission).

Conditions:
5-Oxoprolinase deficiency (OPLAHD). Also called: 5-OXOPROLINURIA DUE TO 5-OXOPROLINASE DEFICIENCY. Identifiers: Orphanet 33572, MedGen C0268525, MONDO:0009825, OMIM 260005, HP:0040142.

Allele frequency attached by ClinVar (database versions not stated): gnomAD exomes below 0.00001; gnomAD 0.00001.
gnomAD v4.1: 2 of 1,603,266 alleles (0.00012%); highest among the groups gnomAD compares: African/African-American, 0.0027%; no homozygotes.

Submission:

Labcorp Genetics (formerly Invitae), Labcorp
Classification: Uncertain significance for 5-Oxoprolinase deficiency. Last evaluated: 2025-06-12. Review status: criteria provided, single submitter. Criteria: Invitae Variant Classification Sherloc (09022015). Collection method: clinical testing. Allele origin: germline.
Comment: This sequence change replaces aspartic acid, which is acidic and polar, with alanine, which is neutral and non-polar, at codon 992 of the OPLAH protein (p.Asp992Ala). This variant is not present in population databases (gnomAD no frequency). This variant has not been reported in the literature in individuals affected with OPLAH-related conditions. ClinVar contains an entry for this variant (Variation ID: 2157798). Experimental studies and prediction algorithms are not available or were not evaluated, and the functional significance of this variant is currently unknown. In summary, the available evidence is currently insufficient to determine the role of this variant in disease. Therefore, it has been classified as a Variant of Uncertain Significance.